The following is an entry in ClinVar:

ClinVar aggregate classification (germline): Uncertain significance. Review status: criteria provided, multiple submitters, no conflicts (2 of 4 stars). 5 submissions from 5 submitters: Uncertain significance (5). Last evaluated 2026-09-04.

Conditions:
FLNC-related disorder. Also called: FLNC-related disorders; FLNC-related condition.
Myofibrillar myopathy 5. Also called: FILAMINOPATHY, AUTOSOMAL DOMINANT; Filaminopathy (type). Identifiers: Orphanet 171445, MedGen C1836050, MONDO:0012289, OMIM 609524.
Hypertrophic cardiomyopathy 26. Also called: Cardiomyopathy, familial hypertrophic, 26. Identifiers: Orphanet 75249, MedGen C4310749, MONDO:0014883, OMIM 617047.
Distal myopathy with posterior leg and anterior hand involvement. Also called: WILLIAMS DISTAL MYOPATHY. Identifiers: Orphanet 63273, MedGen C3279722, MONDO:0013550, OMIM 614065.
Cardiovascular phenotype. Identifiers: MedGen CN230736.

Allele frequency attached by ClinVar (database versions not stated): gnomAD 0.00002; gnomAD exomes 0.00002 and 0.00003.
gnomAD v4.1: 30 of 1,494,614 alleles (0.002%); highest among the groups gnomAD compares: Admixed American, 0.0033%; no homozygotes.

Submissions (5):

PreventionGenetics, part of Exact Sciences
Classification: Uncertain significance for FLNC-related condition. Last evaluated: 2026-09-04. Review status: criteria provided, single submitter. Criteria: ACMG Guidelines, 2015. Collection method: clinical testing. Allele origin: germline.
Comment: The FLNC c.7972G>A variant is predicted to result in the amino acid substitution p.Val2658Met. To our knowledge, this variant has not been reported in the literature. This variant is reported in 0.0062% of alleles in individuals of Latino descent in gnomAD. At this time, the clinical significance of this variant is uncertain due to the absence of conclusive functional and genetic evidence.

Labcorp Genetics (formerly Invitae), Labcorp
Classification: Uncertain significance for Distal myopathy with posterior leg and anterior hand involvement; Myofibrillar myopathy 5; Hypertrophic cardiomyopathy 26. Last evaluated: 2026-01-12. Review status: criteria provided, single submitter. Criteria: Invitae Variant Classification Sherloc (09022015). Collection method: clinical testing. Allele origin: germline.
Comment: This sequence change replaces valine, which is neutral and non-polar, with methionine, which is neutral and non-polar, at codon 2658 of the FLNC protein (p.Val2658Met). This variant is present in population databases (no rsID available, gnomAD 0.006%). This variant has not been reported in the literature in individuals affected with FLNC-related conditions. ClinVar contains an entry for this variant (Variation ID: 472185). Invitae Evidence Modeling of protein sequence and biophysical properties (such as structural, functional, and spatial information, amino acid conservation, physicochemical variation, residue mobility, and thermodynamic stability) indicates that this missense variant is not expected to disrupt FLNC protein function with a negative predictive value of 80%. In summary, the available evidence is currently insufficient to determine the role of this variant in disease. Therefore, it has been classified as a Variant of Uncertain Significance.

Ambry Genetics
Classification: Uncertain significance for Cardiovascular phenotype. Last evaluated: 2025-06-07. Review status: criteria provided, single submitter. Criteria: Ambry Variant Classification Scheme 2023. Collection method: clinical testing. Allele origin: germline.

Blueprint Genetics
Classification: Uncertain significance. Last evaluated: 2024-01-23. Review status: criteria provided, single submitter. Criteria: ACMG Guidelines, 2015. Collection method: clinical testing. Allele origin: germline.

AiLife Diagnostics
Classification: Uncertain significance. Last evaluated: 2021-07-08. Review status: criteria provided, single submitter. Criteria: ACMG Guidelines, 2015. Collection method: clinical testing. Allele origin: germline. Affected: yes. Observed: 1 variant allele.

NM_001458.5(FLNC):c.7972G>A (p.Val2658Met)

Genes: FLNC (filamin C; plus strand), FLNC-AS1 (FLNC antisense RNA 1; minus strand). Cytogenetic location: 7q32.1.
Variant type: single nucleotide variant.
Coding change: c.7972G>A on transcript NM_001458.5 (MANE Select); coding-DNA position 7972, G replaced by A.
Protein change: p.Val2658Met; replaces valine 2658 with methionine.
Molecular consequence: missense variant.
Genome position (GRCh38, 1-based): chr7:128,858,199, G>A. VCF-style: chr7-128858199-G-A. GRCh37 (hg19) VCF-style: chr7-128498253-G-A.
Other names: c.7873G>A, p.Val2625Met (NM_001127487.2); short protein forms V2658M, V2625M.
Identifiers: ClinVar variation 472185 (VCV000472185.16), dbSNP rs1269145751, ClinGen allele CA369220752.